The following is an entry in ClinVar:

NM_001005465.2(OR10G3):c.726T>C (p.Cys242=)

Gene: OR10G3 (olfactory receptor family 10 subfamily G member 3; minus strand). Cytogenetic location: 14q11.2.
Variant type: single nucleotide variant.
Coding change: c.726T>C on transcript NM_001005465.2 (MANE Select); coding-DNA position 726, T replaced by C.
Protein change: p.Cys242=; no amino-acid change (cysteine 242 retained).
Molecular consequence: synonymous variant.
Genome position (GRCh38, 1-based): chr14:21,570,019, A>G on the plus strand (T>C on the coding strand, the complement: OR10G3 is on the minus strand). VCF-style: chr14-21570019-A-G. GRCh37 (hg19) VCF-style: chr14-22038150-A-G.
Identifiers: ClinVar variation 2644069 (VCV002644069.24), dbSNP rs1019138175, ClinGen allele CA257566993.

ClinVar aggregate classification (germline): Likely benign (1 of 4 stars; one submission).

Allele frequency attached by ClinVar (database versions not stated): gnomAD 0.00001.

Submission:

CeGaT Center for Human Genetics Tuebingen
Classification: Likely benign. Last evaluated: 2022-08-01. Review status: criteria provided, single submitter. Criteria: CeGaT Center For Human Genetics Tuebingen Variant Classification Criteria Version 2. Collection method: clinical testing. Allele origin: germline. Affected: yes. Observed: 1 variant allele.
Comment: OR10G3: BP4, BP7